The following is an entry in ClinVar:

NM_032447.5(FBN3):c.5757G>T (p.Glu1919Asp)

Gene: FBN3 (fibrillin 3; minus strand). Cytogenetic location: 19p13.2.
Variant type: single nucleotide variant.
Coding change: c.5757G>T on transcript NM_032447.5 (MANE Select); coding-DNA position 5757, G replaced by T.
Protein change: p.Glu1919Asp; replaces glutamic acid 1919 with aspartic acid.
Molecular consequence: missense variant.
Genome position (GRCh38, 1-based): chr19:8,095,403, C>A on the plus strand (G>T on the coding strand, the complement: FBN3 is on the minus strand). VCF-style: chr19-8095403-C-A. GRCh37 (hg19) VCF-style: chr19-8160287-C-A.
Other names: c.5757G>T, p.Glu1919Asp (NM_001321431.2); short protein forms E1919D.
Identifiers: ClinVar variation 2876665 (VCV002876665.3), dbSNP rs1006181063, ClinGen allele CA304965097.

ClinVar aggregate classification (germline): Uncertain significance (1 of 4 stars; one submission).

Allele frequency attached by ClinVar (database versions not stated): gnomAD exomes below 0.00001.
gnomAD v4.1: 1 of 1,613,282 alleles (0.000062%); highest among the groups gnomAD compares: Non-Finnish European, 0.000085%; no homozygotes.

Submission:

Labcorp Genetics (formerly Invitae), Labcorp
Classification: Uncertain significance. Last evaluated: 2023-12-07. Review status: criteria provided, single submitter. Criteria: Invitae Variant Classification Sherloc (09022015). Collection method: clinical testing. Allele origin: germline.
Comment: This sequence change replaces glutamic acid, which is acidic and polar, with aspartic acid, which is acidic and polar, at codon 1919 of the FBN3 protein (p.Glu1919Asp). This variant is not present in population databases (gnomAD no frequency). This variant has not been reported in the literature in individuals affected with FBN3-related conditions. Advanced modeling of protein sequence and biophysical properties (such as structural, functional, and spatial information, amino acid conservation, physicochemical variation, residue mobility, and thermodynamic stability) performed at Invitae indicates that this missense variant is not expected to disrupt FBN3 protein function with a negative predictive value of 80%. In summary, the available evidence is currently insufficient to determine the role of this variant in disease. Therefore, it has been classified as a Variant of Uncertain Significance.